The following is an entry in ClinVar:

NM_000271.5(NPC1):c.1269C>A (p.Tyr423Ter)

Gene: NPC1 (NPC intracellular cholesterol transporter 1; minus strand). Cytogenetic location: 18q11.2.
Variant type: single nucleotide variant.
Coding change: c.1269C>A on transcript NM_000271.5 (MANE Select); coding-DNA position 1269, C replaced by A.
Protein change: p.Tyr423Ter; replaces tyrosine 423 with a stop codon.
Molecular consequence: nonsense.
Genome position (GRCh38, 1-based): chr18:23,556,300, G>T on the plus strand (C>A on the coding strand, the complement: NPC1 is on the minus strand). VCF-style: chr18-23556300-G-T. GRCh37 (hg19) VCF-style: chr18-21136264-G-T.
Other names: short protein forms Y423*.
Identifiers: ClinVar variation 3646604 (VCV003646604.2).
Genomic context (GRCh38, chr18:23,556,300, plus strand): 5'-TACCTGGTGCAGTATCTGTATGTCAAGCGGAGGTCCAAAGGGTACATCAGCTCCCGAAGG[G>T]TATGGCTGGTAAATGTGTTTGTCAGTGAGAGGGGCCCGGATGATGAGCTGCTCCGTCCGG-3'

ClinVar aggregate classification (germline): Pathogenic (1 of 4 stars; one submission).

Conditions:
Niemann-Pick disease, type C1. Also called: NEUROVISCERAL STORAGE DISEASE WITH VERTICAL SUPRANUCLEAR OPHTHALMOPLEGIA; NIEMANN-PICK DISEASE WITH CHOLESTEROL ESTERIFICATION BLOCK; NIEMANN-PICK DISEASE WITHOUT SPHINGOMYELINASE DEFICIENCY; NIEMANN-PICK DISEASE, CHRONIC NEURONOPATHIC FORM; NIEMANN-PICK DISEASE, VARIANT TYPE C1. Identifiers: Orphanet 646, MedGen C3179455, MONDO:0009757, OMIM 257220.

Submission:

Labcorp Genetics (formerly Invitae), Labcorp
Classification: Pathogenic for Niemann-Pick disease, type C1. Last evaluated: 2024-03-18. Review status: criteria provided, single submitter. Criteria: Invitae Variant Classification Sherloc (09022015). Collection method: clinical testing. Allele origin: germline.
Comment: This sequence change creates a premature translational stop signal (p.Tyr423*) in the NPC1 gene. It is expected to result in an absent or disrupted protein product. Loss-of-function variants in NPC1 are known to be pathogenic (PMID: 9211850). This variant is not present in population databases (gnomAD no frequency). This variant has not been reported in the literature in individuals affected with NPC1-related conditions. For these reasons, this variant has been classified as Pathogenic.

Literature cited by the submitters: PubMed 9211850.